The following is an entry in ClinVar:

NM_000465.4(BARD1):c.1847G>A (p.Ser616Asn)

Gene: BARD1 (BRCA1 associated RING domain 1; minus strand). Cytogenetic location: 2q35.
Variant type: single nucleotide variant.
Coding change: c.1847G>A on transcript NM_000465.4 (MANE Select); coding-DNA position 1847, G replaced by A.
Protein change: p.Ser616Asn; replaces serine 616 with asparagine.
Molecular consequence: missense variant. On other transcripts: non-coding transcript variant (3), intron variant (1).
Genome position (GRCh38, 1-based): chr2:214,745,123, C>T on the plus strand (G>A on the coding strand, the complement: BARD1 is on the minus strand). VCF-style: chr2-214745123-C-T. GRCh37 (hg19) VCF-style: chr2-215609847-C-T.
Other names: c.1790G>A, p.Ser597Asn (NM_001282543.2); c.494G>A, p.Ser165Asn (NM_001282545.2); c.437G>A, p.Ser146Asn (NM_001282548.2); c.365-14615G>A (NM_001282549.2); short protein forms S616N, S146N, S165N, S597N.
Identifiers: ClinVar variation 482763 (VCV000482763.19), dbSNP rs1475259063, ClinGen allele CA350452222.
Genomic context (GRCh38, chr2:214,745,123, plus strand): 5'-TTACATTCAAATTTTAGAATCCAGCATCCATTGAGAATCCCAAGCATACACTTCAAGGTA[C>T]TTTGAACTGCATCACCAGGAACAACAACATGAGTTACTAAAATACAAAAAAAGCAGTAAG-3'
Protein context (NP_000456.2, residues 606-626): HVVVPGDAVQ[Ser616Asn]TLKCMLGILN

ClinVar aggregate classification (germline): Conflicting classifications of pathogenicity. Review status: criteria provided, conflicting classifications (1 of 4 stars). 3 submissions from 3 submitters: Uncertain significance (2); Likely benign (1). Last evaluated 2025-08-09.

Conditions:
Hereditary cancer-predisposing syndrome. Also called: Neoplastic Syndromes, Hereditary; Tumor predisposition; Hereditary Cancer Syndrome; Hereditary neoplastic syndrome. Identifiers: Orphanet 140162, MedGen C0027672, MeSH D009386, MONDO:0015356.
Familial cancer of breast. Also called: BREAST CANCER, FAMILIAL; Hereditary breast cancer; hereditary breast carcinoma. Identifiers: Orphanet 227535, MedGen C0346153, MONDO:0016419, OMIM 114480. Disease mechanism: loss of function.

Allele frequency attached by ClinVar (database versions not stated): gnomAD exomes below 0.00001 and 0.00001; TOPMed below 0.00001; gnomAD 0.00001.

Submissions (3):

Labcorp Genetics (formerly Invitae), Labcorp
Classification: Uncertain significance for Familial cancer of breast. Last evaluated: 2025-08-09. Review status: criteria provided, single submitter. Criteria: Invitae Variant Classification Sherloc (09022015). Collection method: clinical testing. Allele origin: germline.
Comment: This sequence change replaces serine, which is neutral and polar, with asparagine, which is neutral and polar, at codon 616 of the BARD1 protein (p.Ser616Asn). This variant is present in population databases (no rsID available, gnomAD 0.0009%). This variant has not been reported in the literature in individuals affected with BARD1-related conditions. ClinVar contains an entry for this variant (Variation ID: 482763). An algorithm developed to predict the effect of missense changes on protein structure and function (PolyPhen-2) suggests that this variant is likely to be tolerated. Experimental studies have shown that this missense change does not substantially affect BARD1 function (PMID: 30925164). In summary, the available evidence is currently insufficient to determine the role of this variant in disease. Therefore, it has been classified as a Variant of Uncertain Significance.

Ambry Genetics
Classification: Likely benign for Hereditary cancer-predisposing syndrome. Last evaluated: 2021-12-23. Review status: criteria provided, single submitter. Criteria: Ambry Variant Classification Scheme 2023. Collection method: clinical testing. Allele origin: germline.

Color Diagnostics, LLC DBA Color Health
Classification: Uncertain significance for Hereditary cancer-predisposing syndrome. Last evaluated: 2021-09-07. Review status: criteria provided, single submitter. Criteria: ACMG Guidelines, 2015. Collection method: clinical testing. Allele origin: germline.
Comment: This missense variant replaces serine with asparagine at codon 616 of the BARD1 protein. Computational prediction suggests that this variant may not impact protein structure and function (internally defined REVEL score threshold <= 0.5, PMID: 27666373). A functional study has shown that mammalian cells expressing this variant protein exhibit comparable homology directed DNA repair activity to cells expressing the wild-type protein in an in vitro assay (PMID: 30925164). To our knowledge, this variant has not been reported in individuals affected with hereditary cancer in the literature. This variant has been identified in 1/251116 chromosomes in the general population by the Genome Aggregation Database (gnomAD). The available evidence is insufficient to determine the role of this variant in disease conclusively. Therefore, this variant is classified as a Variant of Uncertain Significance.

Literature cited by the submitters: PubMed 30925164 (cited by 3 submitters).